The following is an entry in ClinVar:

ClinVar aggregate classification (germline): Conflicting classifications of pathogenicity. Review status: criteria provided, conflicting classifications (1 of 4 stars). 6 submissions from 6 submitters: Uncertain significance (3); Likely benign (3). Last evaluated 2025-12-10.

Conditions:
Hereditary cancer-predisposing syndrome. Also called: Hereditary neoplastic syndrome; Hereditary Cancer Syndrome; Neoplastic Syndromes, Hereditary; Tumor predisposition. Identifiers: Orphanet 140162, MedGen C0027672, MeSH D009386, MONDO:0015356.
Familial cancer of breast. Also called: Hereditary breast cancer; hereditary breast carcinoma; BREAST CANCER, FAMILIAL. Identifiers: Orphanet 227535, MedGen C0346153, MONDO:0016419, OMIM 114480. Disease mechanism: loss of function.
Hereditary breast ovarian cancer syndrome. Also called: Hereditary breast and ovarian cancer syndrome (HBOC); Hereditary breast and ovarian cancer; Hereditary breast and ovarian cancer syndrome; Hereditary breast and/or ovarian cancer syndrome; Breast and ovarian cancer; BRCA1- and BRCA2-Associated Hereditary Breast and Ovarian Cancer. Identifiers: Orphanet 145, MedGen C0677776, MeSH D061325, MONDO:0003582. Disease mechanism: loss of function.

Submissions (6):

Department of Clinical Genetics, Copenhagen University Hospital, Rigshospitalet
Classification: Likely benign for Familial cancer of breast. Last evaluated: 2025-12-10. Review status: criteria provided, single submitter. Criteria: ACMG Guidelines, 2015. Collection method: clinical testing. Allele origin: germline.
Comment: The variant is localised in the last exon (E27). The following ACMG criteria has been used: PM2_SUP (not reported in non-founder populations in gnomAD v.2.1 (non-cancer) or v.3.1 (non-cancer)); BP1_strong (SpliceAI ≤0.1); BS3_Strong (PMID:29988080)

Color Diagnostics, LLC DBA Color Health
Classification: Likely benign for Hereditary cancer-predisposing syndrome. Last evaluated: 2025-07-10. Review status: criteria provided, single submitter. Criteria: ACMG Guidelines, 2015. Collection method: clinical testing. Allele origin: germline.

Labcorp Genetics (formerly Invitae), Labcorp
Classification: Uncertain significance for Hereditary breast ovarian cancer syndrome. Last evaluated: 2025-04-29. Review status: criteria provided, single submitter. Criteria: Invitae Variant Classification Sherloc (09022015). Collection method: clinical testing. Allele origin: germline.
Comment: This sequence change replaces proline, which is neutral and non-polar, with arginine, which is basic and polar, at codon 3280 of the BRCA2 protein (p.Pro3280Arg). This variant is not present in population databases (gnomAD no frequency). This variant has not been reported in the literature in individuals affected with BRCA2-related conditions. ClinVar contains an entry for this variant (Variation ID: 495523). Invitae Evidence Modeling of protein sequence and biophysical properties (such as structural, functional, and spatial information, amino acid conservation, physicochemical variation, residue mobility, and thermodynamic stability) indicates that this missense variant is not expected to disrupt BRCA2 protein function with a negative predictive value of 95%. In summary, the available evidence is currently insufficient to determine the role of this variant in disease. Therefore, it has been classified as a Variant of Uncertain Significance.

Center for Genomic Medicine, Rigshospitalet, Copenhagen University Hospital
Classification: Uncertain significance. Last evaluated: 2025-03-04. Review status: criteria provided, single submitter. Criteria: ACMG Guidelines, 2015. Collection method: clinical testing. Allele origin: germline.

Ambry Genetics
Classification: Likely benign for Hereditary cancer-predisposing syndrome. Last evaluated: 2020-08-21. Review status: criteria provided, single submitter. Criteria: Ambry Variant Classification Scheme 2023. Collection method: clinical testing. Allele origin: germline.

Women's Health and Genetics/Laboratory Corporation of America, LabCorp
Classification: Uncertain significance. Last evaluated: 2017-03-03. Review status: criteria provided, single submitter. Criteria: LabCorp Variant Classification Summary - May 2015. Collection method: clinical testing. Allele origin: germline.
Comment: Variant summary: The BRCA2 c.9839C>G (p.Pro3280Arg) variant involves the alteration of a conserved nucleotide. The variant is not found within a known functional domain of the protein (InterPro). 5/5 in silico tools predict a damaging outcome for this variant. This variant is absent from the large control population database ExAC (0/121382 control chromosomes). To our knowledge, the variant of interest has not been reported in affected individuals via publications and/or reputable databases/clinical diagnostic laboratories; nor evaluated for functional impact by in vivo/vitro studies. Because of the absence of clinical information and the lack of functional studies, the variant is classified as a variant of uncertain significance (VUS) until additional information becomes available.

Literature cited by the submitters: PubMed 29988080 (cited by 3 submitters).

NM_000059.4(BRCA2):c.9839C>G (p.Pro3280Arg)

Gene: BRCA2 (BRCA2 DNA repair associated; plus strand). Cytogenetic location: 13q13.1.
Variant type: single nucleotide variant.
Coding change: c.9839C>G on transcript NM_000059.4 (MANE Select); coding-DNA position 9839, C replaced by G.
Protein change: p.Pro3280Arg; replaces proline 3280 with arginine.
Molecular consequence: missense variant.
Genome position (GRCh38, 1-based): chr13:32,398,352, C>G. VCF-style: chr13-32398352-C-G. GRCh37 (hg19) VCF-style: chr13-32972489-C-G.
Other names: short protein forms P3280R.
Identifiers: ClinVar variation 495523 (VCV000495523.14), dbSNP rs80359246, ClinGen allele CA387766409.